The following is an entry in ClinVar:

NM_001378778.1(MPDZ):c.1432A>G (p.Lys478Glu)

Gene: MPDZ (multiple PDZ domain crumbs cell polarity complex component; minus strand). Cytogenetic location: 9p23.
Variant type: single nucleotide variant.
Coding change: c.1432A>G on transcript NM_001378778.1 (MANE Select); coding-DNA position 1432, A replaced by G.
Protein change: p.Lys478Glu; replaces lysine 478 with glutamic acid.
Molecular consequence: missense variant.
Genome position (GRCh38, 1-based): chr9:13,205,958, T>C on the plus strand (A>G on the coding strand, the complement: MPDZ is on the minus strand). VCF-style: chr9-13205958-T-C. GRCh37 (hg19) VCF-style: chr9-13205957-T-C.
Other names: c.1432A>G, p.Lys478Glu (NM_001261406.2, NM_001261407.2, NM_001330637.2 and 14 more transcripts); short protein forms K478E.
Identifiers: ClinVar variation 1936393 (VCV001936393.5), dbSNP rs1182780338, ClinGen allele CA372943135.
Genomic context (GRCh38, chr9:13,205,958, plus strand): 5'-AGATTAACATAGGATTACCTTTGATTATGCTGGCATTAACAGGAGACAAATCTGCATCTT[T>C]TGTGACGTCTTCCCTTGACATGAGCTCGGCTTCCTGCTTCATTCCTCTCCTCATTAGTGT-3'
Protein context (NP_001365707.1, residues 468-488): AELMSREDVT[Lys478Glu]DADLSPVNAS

ClinVar aggregate classification (germline): Uncertain significance (1 of 4 stars; one submission).

Allele frequency attached by ClinVar (database versions not stated): gnomAD exomes below 0.00001.
gnomAD v4.1: 1 of 1,608,992 alleles (0.000062%); highest among the groups gnomAD compares: Non-Finnish European, 0.000085%; no homozygotes.

Submission:

Labcorp Genetics (formerly Invitae), Labcorp
Classification: Uncertain significance. Last evaluated: 2025-04-17. Review status: criteria provided, single submitter. Criteria: Invitae Variant Classification Sherloc (09022015). Collection method: clinical testing. Allele origin: germline.
Comment: This sequence change replaces lysine, which is basic and polar, with glutamic acid, which is acidic and polar, at codon 478 of the MPDZ protein (p.Lys478Glu). This variant is present in population databases (no rsID available, gnomAD 0.0009%). This variant has not been reported in the literature in individuals affected with MPDZ-related conditions. ClinVar contains an entry for this variant (Variation ID: 1936393). An algorithm developed to predict the effect of missense changes on protein structure and function outputs the following: PolyPhen-2: "Benign". The glutamic acid amino acid residue is found in multiple mammalian species, which suggests that this missense change does not adversely affect protein function. In summary, the available evidence is currently insufficient to determine the role of this variant in disease. Therefore, it has been classified as a Variant of Uncertain Significance.